The following is an entry in ClinVar:

NM_004736.4(XPR1):c.467T>C (p.Phe156Ser)

Gene: XPR1 (xenotropic and polytropic retrovirus receptor 1; plus strand). Cytogenetic location: 1q25.3.
Variant type: single nucleotide variant.
Coding change: c.467T>C on transcript NM_004736.4 (MANE Select); coding-DNA position 467, T replaced by C.
Protein change: p.Phe156Ser; replaces phenylalanine 156 with serine.
Molecular consequence: missense variant. On other transcripts: non-coding transcript variant (1).
Genome position (GRCh38, 1-based): chr1:180,806,081, T>C. VCF-style: chr1-180806081-T-C. GRCh37 (hg19) VCF-style: chr1-180775217-T-C.
Other names: c.467T>C, p.Phe156Ser (NM_001135669.2, NM_001328662.2); short protein forms F156S.
Identifiers: ClinVar variation 4766786 (VCV004766786.1).

ClinVar aggregate classification (germline): Uncertain significance (1 of 4 stars; one submission).

Submission:

Labcorp Genetics (formerly Invitae), Labcorp
Classification: Uncertain significance. Last evaluated: 2025-07-03. Review status: criteria provided, single submitter. Criteria: Invitae Variant Classification Sherloc (09022015). Collection method: clinical testing. Allele origin: germline.
Comment: This sequence change replaces phenylalanine, which is neutral and non-polar, with serine, which is neutral and polar, at codon 156 of the XPR1 protein (p.Phe156Ser). This variant is not present in population databases (gnomAD no frequency). This variant has not been reported in the literature in individuals affected with XPR1-related conditions. Invitae Evidence Modeling of protein sequence and biophysical properties (such as structural, functional, and spatial information, amino acid conservation, physicochemical variation, residue mobility, and thermodynamic stability) indicates that this missense variant is expected to disrupt XPR1 protein function with a positive predictive value of 80%. In summary, the available evidence is currently insufficient to determine the role of this variant in disease. Therefore, it has been classified as a Variant of Uncertain Significance.